The following is an entry in ClinVar:

NM_001375524.1(TRRAP):c.4828G>A (p.Val1610Met)

Gene: TRRAP (transformation/transcription domain associated protein; plus strand). Cytogenetic location: 7q22.1.
Variant type: single nucleotide variant.
Coding change: c.4828G>A on transcript NM_001375524.1 (MANE Select); coding-DNA position 4828, G replaced by A.
Protein change: p.Val1610Met; replaces valine 1610 with methionine.
Molecular consequence: missense variant.
Genome position (GRCh38, 1-based): chr7:98,949,456, G>A. VCF-style: chr7-98949456-G-A. GRCh37 (hg19) VCF-style: chr7-98547079-G-A.
Other names: c.4807G>A, p.Val1603Met (NM_001244580.2); c.4753G>A, p.Val1585Met (NM_003496.4); short protein forms V1585M, V1603M, V1610M.
Identifiers: ClinVar variation 2766693 (VCV002766693.4), dbSNP rs2484851503, ClinGen allele CA368312779.

ClinVar aggregate classification (germline): Conflicting classifications of pathogenicity. Review status: criteria provided, conflicting classifications (1 of 4 stars). 2 submissions from 2 submitters: Uncertain significance (1); Likely benign (1). Last evaluated 2025-11-10.

Submissions (2):

Labcorp Genetics (formerly Invitae), Labcorp
Classification: Uncertain significance. Last evaluated: 2025-11-10. Review status: criteria provided, single submitter. Criteria: Invitae Variant Classification Sherloc (09022015). Collection method: clinical testing. Allele origin: germline.
Comment: This sequence change replaces valine, which is neutral and non-polar, with methionine, which is neutral and non-polar, at codon 1585 of the TRRAP protein (p.Val1585Met). This variant is not present in population databases (gnomAD no frequency). This variant has not been reported in the literature in individuals affected with TRRAP-related conditions. ClinVar contains an entry for this variant (Variation ID: 2766693). Invitae Evidence Modeling of protein sequence and biophysical properties (such as structural, functional, and spatial information, amino acid conservation, physicochemical variation, residue mobility, and thermodynamic stability) indicates that this missense variant is not expected to disrupt TRRAP protein function with a negative predictive value of 80%. In summary, the available evidence is currently insufficient to determine the role of this variant in disease. Therefore, it has been classified as a Variant of Uncertain Significance.

Blueprint Genetics
Classification: Likely benign. Last evaluated: 2024-09-19. Review status: criteria provided, single submitter. Criteria: ACMG Guidelines, 2015. Collection method: clinical testing. Allele origin: germline.